The following is an entry in ClinVar:

ClinVar aggregate classification (germline): Benign/Likely benign. Review status: criteria provided, multiple submitters, no conflicts (2 of 4 stars). 5 submissions from 5 submitters: Benign (1); Likely benign (4). Last evaluated 2025-12-22.

Conditions:
Chuvash polycythemia. Also called: POLYCYTHEMIA, VHL-DEPENDENT. Identifiers: Orphanet 238557, MedGen C1837915, MONDO:0009892, OMIM 263400.
Von Hippel-Lindau syndrome (VHLS). Also called: von Hippel–Lindau syndrome; VHL syndrome; Von Hippel-Lindau. Identifiers: Orphanet 892, MedGen C0019562, MONDO:0008667, OMIM 193300. Disease mechanism: loss of function.
Hereditary cancer-predisposing syndrome. Also called: Neoplastic Syndromes, Hereditary; Tumor predisposition; Hereditary neoplastic syndrome; Hereditary Cancer Syndrome. Identifiers: Orphanet 140162, MedGen C0027672, MeSH D009386, MONDO:0015356.
Pheochromocytoma. Also called: MAX-Related Hereditary Paraganglioma-Pheochromocytoma Syndrome. Identifiers: Orphanet 29072, MedGen C0031511, MONDO:0008233, OMIM 171300, HP:0002666.
Nonpapillary renal cell carcinoma. Identifiers: Orphanet 422526, MedGen CN074294, MONDO:0007763, OMIM 144700.

Allele frequency attached by ClinVar (database versions not stated): gnomAD exomes below 0.00001; ExAC 0.00001; gnomAD 0.00001; TOPMed 0.00001; ESP Exome Variant Server 0.00008.

Submissions (5):

Labcorp Genetics (formerly Invitae), Labcorp
Classification: Likely benign for Von Hippel-Lindau syndrome; Chuvash polycythemia. Last evaluated: 2025-12-22. Review status: criteria provided, single submitter. Criteria: Invitae Variant Classification Sherloc (09022015). Collection method: clinical testing. Allele origin: germline.

Myriad Genetics, Inc.
Classification: Benign for Von Hippel-Lindau syndrome. Last evaluated: 2025-06-12. Review status: criteria provided, single submitter. Criteria: Myriad Autosomal Dominant, Autosomal Recessive and X-Linked Classification Criteria (2023). Collection method: clinical testing. Allele origin: unknown.
Comment: This variant is considered benign. This variant is a silent/synonymous amino acid change and it is not expected to impact splicing.

Ambry Genetics
Classification: Likely benign for Hereditary cancer-predisposing syndrome. Last evaluated: 2022-05-26. Review status: criteria provided, single submitter. Criteria: Ambry Variant Classification Scheme 2023. Collection method: clinical testing. Allele origin: germline.

Fulgent Genetics
Classification: Likely benign for Nonpapillary renal cell carcinoma; Pheochromocytoma; Von Hippel-Lindau syndrome; Chuvash polycythemia. Last evaluated: 2021-12-11. Review status: criteria provided, single submitter. Criteria: ACMG Guidelines, 2015. Collection method: clinical testing. Allele origin: unknown.

GeneDx
Classification: Likely benign. Last evaluated: 2018-06-07. Review status: criteria provided, single submitter. Criteria: GeneDx Variant Classification (06012015). Collection method: clinical testing. Allele origin: germline. Affected: yes.
Comment: This variant is considered likely benign or benign based on one or more of the following criteria: it is a conservative change, it occurs at a poorly conserved position in the protein, it is predicted to be benign by multiple in silico algorithms, and/or has population frequency not consistent with disease.

NM_000551.4(VHL):c.426T>C (p.Val142=)

Genes: VHL (von Hippel-Lindau tumor suppressor; plus strand), LOC107303340 (3p25 von Hippel-Lindau tumor suppressor, E3 ubiquitin protein ligase Alu-mediated recombination region; plus strand). Cytogenetic location: 3p25.3.
Variant type: single nucleotide variant.
Coding change: c.426T>C on transcript NM_000551.4 (MANE Select); coding-DNA position 426, T replaced by C.
Protein change: p.Val142=; no amino-acid change (valine 142 retained).
Molecular consequence: synonymous variant. On other transcripts: intron variant (2).
Genome position (GRCh38, 1-based): chr3:10,146,599, T>C. VCF-style: chr3-10146599-T-C. GRCh37 (hg19) VCF-style: chr3-10188283-T-C.
Other names: c.*18-3188T>C (NM_001354723.2); c.341-3188T>C (NM_198156.3).
Identifiers: ClinVar variation 672121 (VCV000672121.14), dbSNP rs143594610, ClinGen allele CA040918.
Genomic context (GRCh38, chr3:10,146,599, plus strand): 5'-AGGGACACACGATGGGCTTCTGGTTAACCAAACTGAATTATTTGTGCCATCTCTCAATGT[T>C]GACGGACAGCCTATTTTTGCCAATATCACACTGCCAGGTACTGACGTTTTACTTTTTAAA-3'
Protein context (NP_000542.1, residues 132-152): QTELFVPSLN[Val142=]DGQPIFANIT